The following is an entry in ClinVar:

ClinVar aggregate classification (germline): Uncertain significance (1 of 4 stars; one submission).

Submission:

Labcorp Genetics (formerly Invitae), Labcorp
Classification: Uncertain significance. Last evaluated: 2024-07-30. Review status: criteria provided, single submitter. Criteria: Invitae Variant Classification Sherloc (09022015). Collection method: clinical testing. Allele origin: germline.
Comment: This sequence change replaces threonine, which is neutral and polar, with alanine, which is neutral and non-polar, at codon 637 of the POLE protein (p.Thr637Ala). This variant is not present in population databases (gnomAD no frequency). This missense change has been observed in individual(s) with breast cancer (PMID: 34326862). ClinVar contains an entry for this variant (Variation ID: 1059116). Advanced modeling of protein sequence and biophysical properties (such as structural, functional, and spatial information, amino acid conservation, physicochemical variation, residue mobility, and thermodynamic stability) performed at Invitae indicates that this missense variant is expected to disrupt POLE protein function with a positive predictive value of 80%. In summary, the available evidence is currently insufficient to determine the role of this variant in disease. Therefore, it has been classified as a Variant of Uncertain Significance.

Literature cited by the submitters: PubMed 34326862.

NM_006231.4(POLE):c.1909A>G (p.Thr637Ala)

Gene: POLE (DNA polymerase epsilon, catalytic subunit; minus strand). Cytogenetic location: 12q24.33.
Variant type: single nucleotide variant.
Coding change: c.1909A>G on transcript NM_006231.4 (MANE Select); coding-DNA position 1909, A replaced by G.
Protein change: p.Thr637Ala; replaces threonine 637 with alanine.
Molecular consequence: missense variant.
Genome position (GRCh38, 1-based): chr12:132,668,825, T>C on the plus strand (A>G on the coding strand, the complement: POLE is on the minus strand). VCF-style: chr12-132668825-T-C. GRCh37 (hg19) VCF-style: chr12-133245411-T-C.
Other names: short protein forms T637A.
Identifiers: ClinVar variation 1059116 (VCV001059116.8), dbSNP rs2135979008, ClinGen allele CA387355293.